The following is an entry in ClinVar:

NM_002017.5(FLI1):c.1236C>T (p.Ser412=)

Gene: FLI1 (Fli-1 proto-oncogene, ETS transcription factor; plus strand). Cytogenetic location: 11q24.3.
Variant type: single nucleotide variant.
Coding change: c.1236C>T on transcript NM_002017.5 (MANE Select); coding-DNA position 1236, C replaced by T.
Protein change: p.Ser412=; no amino-acid change (serine 412 retained).
Molecular consequence: synonymous variant.
Genome position (GRCh38, 1-based): chr11:128,810,865, C>T. VCF-style: chr11-128810865-C-T. GRCh37 (hg19) VCF-style: chr11-128680760-C-T.
Other names: c.1137C>T, p.Ser379= (NM_001167681.3); c.1038C>T, p.Ser346= (NM_001271010.2); c.657C>T, p.Ser219= (NM_001271012.2); c.1236C>T (NM_002017.4).
Identifiers: ClinVar variation 2883662 (VCV002883662.5), dbSNP rs367970398, ClinGen allele CA6357330.

ClinVar aggregate classification (germline): Likely benign. Review status: criteria provided, single submitter (1 of 4 stars). 2 submissions from 2 submitters: Likely benign (1). 1 of the submissions does not count toward it. Last evaluated 2025-10-15.

Conditions:
FLI1-related disorder. Also called: FLI1-related condition.

Allele frequency attached by ClinVar (database versions not stated): 1000 Genomes Project 30x 0.00016; gnomAD exomes 0.00002; ESP Exome Variant Server 0.00008; 1000 Genomes Project 0.00020; TOPMed 0.00023; ExAC 0.00005; gnomAD 0.00011.
gnomAD v4.1: 51 of 1,614,086 alleles (0.0032%); highest among the groups gnomAD compares: African/African-American, 0.036%; no homozygotes.

Submissions (2):

Labcorp Genetics (formerly Invitae), Labcorp
Classification: Likely benign. Last evaluated: 2025-10-15. Review status: criteria provided, single submitter. Criteria: Invitae Variant Classification Sherloc (09022015). Collection method: clinical testing. Allele origin: germline.

PreventionGenetics, part of Exact Sciences
Classification: Likely benign for FLI1-related condition. Last evaluated: 2019-10-28. Review status: no assertion criteria provided. Collection method: clinical testing. Allele origin: germline. Not counted in ClinVar's aggregate classification.
Comment: This variant is classified as likely benign based on ACMG/AMP sequence variant interpretation guidelines (Richards et al. 2015 PMID: 25741868, with internal and published modifications).